The following is an entry in ClinVar:

NM_001046.3(SLC12A2):c.2589G>C (p.Leu863Phe)

Gene: SLC12A2 (solute carrier family 12 member 2; plus strand). Cytogenetic location: 5q23.3.
Variant type: single nucleotide variant.
Coding change: c.2589G>C on transcript NM_001046.3 (MANE Select); coding-DNA position 2589, G replaced by C.
Protein change: p.Leu863Phe; replaces leucine 863 with phenylalanine.
Molecular consequence: missense variant. On other transcripts: non-coding transcript variant (1).
Genome position (GRCh38, 1-based): chr5:128,161,773, G>C. VCF-style: chr5-128161773-G-C. GRCh37 (hg19) VCF-style: chr5-127497465-G-C.
Other names: c.2589G>C, p.Leu863Phe (NM_001256461.2); short protein forms L863F.
Identifiers: ClinVar variation 2136327 (VCV002136327.4), dbSNP rs773405100, ClinGen allele CA3393393.

ClinVar aggregate classification (germline): Uncertain significance (1 of 4 stars; one submission).

Allele frequency attached by ClinVar (database versions not stated): TOPMed below 0.00001; ExAC 0.00001; gnomAD exomes 0.00001.
gnomAD v4.1: 10 of 1,495,072 alleles (0.00067%); highest among the groups gnomAD compares: Non-Finnish European, 0.00089%; no homozygotes.

Submission:

Labcorp Genetics (formerly Invitae), Labcorp
Classification: Uncertain significance. Last evaluated: 2022-11-08. Review status: criteria provided, single submitter. Criteria: Invitae Variant Classification Sherloc (09022015). Collection method: clinical testing. Allele origin: germline.
Comment: In summary, the available evidence is currently insufficient to determine the role of this variant in disease. Therefore, it has been classified as a Variant of Uncertain Significance. Advanced modeling of protein sequence and biophysical properties (such as structural, functional, and spatial information, amino acid conservation, physicochemical variation, residue mobility, and thermodynamic stability) performed at Invitae indicates that this missense variant is not expected to disrupt SLC12A2 protein function. This missense change has been observed in individual(s) with clinical features of neurodevelopmental disorder (PMID: 26537360). This variant is present in population databases (rs773405100, gnomAD 0.001%). This sequence change replaces leucine, which is neutral and non-polar, with phenylalanine, which is neutral and non-polar, at codon 863 of the SLC12A2 protein (p.Leu863Phe).

Literature cited by the submitters: PubMed 26537360.